The following is an entry in ClinVar:

NM_198925.4(SEMA4B):c.426C>T (p.Ser142=)

Gene: SEMA4B (semaphorin 4B; plus strand). Cytogenetic location: 15q26.1.
Variant type: single nucleotide variant.
Coding change: c.426C>T on transcript NM_198925.4 (MANE Select); coding-DNA position 426, C replaced by T.
Protein change: p.Ser142=; no amino-acid change (serine 142 retained).
Molecular consequence: synonymous variant. On other transcripts: missense variant (1), 5 prime UTR variant (1), non-coding transcript variant (1).
Genome position (GRCh38, 1-based): chr15:90,219,834, C>T. VCF-style: chr15-90219834-C-T. GRCh37 (hg19) VCF-style: chr15-90763066-C-T.
Other names: c.194C>T, p.Ala65Val (NM_001324029.3); c.-43C>T (NM_001324030.3, NM_001324033.3); c.426C>T, p.Ser142= (NM_001324031.4, NM_001324032.3, NM_001324034.3 and 2 more transcripts); short protein forms A65V.
Identifiers: ClinVar variation 2645703 (VCV002645703.24), dbSNP rs201393019, ClinGen allele CA7733457.

ClinVar aggregate classification (germline): Likely benign (1 of 4 stars; one submission).

Allele frequency attached by ClinVar (database versions not stated): ExAC 0.00122; gnomAD 0.00123; TOPMed 0.00154; 1000 Genomes Project 0.00020; 1000 Genomes Project 30x 0.00031; ESP Exome Variant Server 0.00098; gnomAD exomes 0.00173.
gnomAD v4.1: 2,673 of 1,613,550 alleles (0.17%); highest among the groups gnomAD compares: Middle Eastern, 0.2%; 8 homozygotes.

Submission:

CeGaT Center for Human Genetics Tuebingen
Classification: Likely benign. Last evaluated: 2022-11-01. Review status: criteria provided, single submitter. Criteria: CeGaT Center For Human Genetics Tuebingen Variant Classification Criteria Version 2. Collection method: clinical testing. Allele origin: germline. Affected: yes. Observed: 1 variant allele.
Comment: SEMA4B: BP4, BS2